The following is an entry in ClinVar:

ClinVar aggregate classification (germline): Uncertain significance (1 of 4 stars; one submission).

Conditions:
Cardiovascular phenotype. Identifiers: MedGen CN230736.

gnomAD v4.1: 3 of 1,613,916 alleles (0.00019%); highest among the groups gnomAD compares: African/African-American, 0.0013%; no homozygotes.

Submission:

Ambry Genetics
Classification: Uncertain significance for Cardiovascular phenotype. Last evaluated: 2026-06-24. Review status: criteria provided, single submitter. Criteria: Ambry Variant Classification Scheme 2023. Collection method: clinical testing. Allele origin: germline.
Comment: The c.1105G>A (p.G369R) alteration is located in exon 9 (coding exon 9) of the TRPM4 gene. This alteration results from a G to A substitution at nucleotide position 1105, causing the glycine (G) at amino acid position 369 to be replaced by an arginine (R). Based on data from gnomAD, the A allele has an overall frequency of <0.001% (1/251476) total alleles studied. The highest observed frequency was 0.006% (1/16256) of African alleles. Based on insufficient or conflicting evidence, the clinical significance of this alteration remains unclear.

NM_017636.4(TRPM4):c.1105G>A (p.Gly369Arg)

Gene: TRPM4 (transient receptor potential cation channel subfamily M member 4; plus strand). Cytogenetic location: 19q13.33.
Variant type: single nucleotide variant.
Coding change: c.1105G>A on transcript NM_017636.4 (MANE Select); coding-DNA position 1105, G replaced by A.
Protein change: p.Gly369Arg; replaces glycine 369 with arginine.
Molecular consequence: missense variant. On other transcripts: 5 prime UTR variant (1), intron variant (1).
Genome position (GRCh38, 1-based): chr19:49,172,063, G>A. VCF-style: chr19-49172063-G-A. GRCh37 (hg19) VCF-style: chr19-49675320-G-A.
Other names: c.1105G>A, p.Gly369Arg (NM_001195227.2); c.760G>A, p.Gly254Arg (NM_001321281.2); c.-449G>A (NM_001321282.2); c.583G>A, p.Gly195Arg (NM_001321283.2); c.201+294G>A (NM_001321285.2); short protein forms G369R, G195R, G254R.
Identifiers: ClinVar variation 5031161 (VCV005031161.1).
Genomic context (GRCh38, chr19:49,172,063, plus strand): 5'-CCACAGGTGGAGAGGATTATGACCCGGAAGGAGCTCCTGACAGTCTATTCTTCTGAGGAT[G>A]GGTCTGAGGAATTCGAGACCATAGTTTTGAAGGCCCTTGTGAAGGGTAAAAGTTGTACCC-3'
Protein context (NP_060106.2, residues 359-379): ELLTVYSSED[Gly369Arg]SEEFETIVLK